The following is an entry in ClinVar:

NM_000168.6(GLI3):c.2314A>T (p.Thr772Ser)

Gene: GLI3 (GLI family zinc finger 3; minus strand). Cytogenetic location: 7p14.1.
Variant type: single nucleotide variant.
Coding change: c.2314A>T on transcript NM_000168.6 (MANE Select); coding-DNA position 2314, A replaced by T.
Protein change: p.Thr772Ser; replaces threonine 772 with serine.
Molecular consequence: missense variant.
Genome position (GRCh38, 1-based): chr7:41,967,713, T>A on the plus strand (A>T on the coding strand, the complement: GLI3 is on the minus strand). VCF-style: chr7-41967713-T-A. GRCh37 (hg19) VCF-style: chr7-42007311-T-A.
Other names: short protein forms T772S.
Identifiers: ClinVar variation 1308926 (VCV001308926.2), dbSNP rs2128706995, ClinGen allele CA367321350.

ClinVar aggregate classification (germline): Uncertain significance (1 of 4 stars; one submission).

Submission:

GeneDx
Classification: Uncertain significance. Last evaluated: 2019-09-30. Review status: criteria provided, single submitter. Criteria: GeneDx Variant Classification Process June 2021. Collection method: clinical testing. Allele origin: germline. Affected: yes.
Comment: Not observed in large population cohorts (Lek et al., 2016); In silico analysis, which includes protein predictors and evolutionary conservation, supports that this variant does not alter protein structure/function; Has not been previously published as pathogenic or benign to our knowledge